The following is an entry in ClinVar:

NM_001370.2(DNAH6):c.10035A>G (p.Val3345=)

Gene: DNAH6 (dynein axonemal heavy chain 6; plus strand). Cytogenetic location: 2p11.2.
Variant type: single nucleotide variant.
Coding change: c.10035A>G on transcript NM_001370.2 (MANE Select); coding-DNA position 10035, A replaced by G.
Protein change: p.Val3345=; no amino-acid change (valine 3345 retained).
Molecular consequence: synonymous variant.
Genome position (GRCh38, 1-based): chr2:84,727,731, A>G. VCF-style: chr2-84727731-A-G. GRCh37 (hg19) VCF-style: chr2-84954855-A-G.
Identifiers: ClinVar variation 4987911 (VCV004987911.1).
Genomic context (GRCh38, chr2:84,727,731, plus strand): 5'-GTTCAATACCACCATTGAAACTTCTGTAAAGACAGAAAATCTACAACAGCGCCTGGACGT[A>G]CTACTAGAACAAACTCTCCTAACTGCTTATGTCAATGTTTCAAGAGGACTTTTTGAGCAA-3'
Protein context (NP_001361.1, residues 3335-3355): KTENLQQRLD[Val3345=]LLEQTLLTAY

ClinVar aggregate classification (germline): Likely benign (1 of 4 stars; one submission).

Conditions:
DNAH6-related disorder. Also called: DNAH6-related condition.

gnomAD v4.1: 577 of 1,551,676 alleles (0.037%); highest among the groups gnomAD compares: Middle Eastern, 0.42%; 1 homozygote.

Submission:

PreventionGenetics, part of Exact Sciences
Classification: Likely benign for DNAH6-related condition. Last evaluated: 2025-09-20. Review status: criteria provided, single submitter. Criteria: ACMG Guidelines, 2015. Collection method: clinical testing. Allele origin: germline.
Comment: This variant is classified as likely benign based on ACMG/AMP sequence variant interpretation guidelines (Richards et al. 2015 PMID: 25741868, with internal and published modifications).